The following is an entry in ClinVar:

ClinVar aggregate classification (germline): Uncertain significance. Review status: criteria provided, multiple submitters, no conflicts (2 of 4 stars). 3 submissions from 3 submitters: Uncertain significance (3). Last evaluated 2025-10-16.

Conditions:
Facioscapulohumeral muscular dystrophy 2 (FSHD2). Also called: MUSCULAR DYSTROPHY, FACIOSCAPULOHUMERAL, TYPE 1B; FSHD2, DIGENIC; FACIOSCAPULOHUMERAL MUSCULAR DYSTROPHY 2, DIGENIC. Identifiers: Orphanet 269, MedGen C1834671, MONDO:0008031, OMIM 158901.

Allele frequency attached by ClinVar (database versions not stated): gnomAD 0.00001; gnomAD exomes 0.00001; TOPMed 0.00002; ExAC 0.00003.
gnomAD v4.1: 9 of 1,611,594 alleles (0.00056%); highest among the groups gnomAD compares: East Asian, 0.0022%; no homozygotes.

Submissions (3):

Labcorp Genetics (formerly Invitae), Labcorp
Classification: Uncertain significance for Facioscapulohumeral muscular dystrophy 2. Last evaluated: 2025-10-16. Review status: criteria provided, single submitter. Criteria: Invitae Variant Classification Sherloc (09022015). Collection method: clinical testing. Allele origin: germline.
Comment: This sequence change replaces serine, which is neutral and polar, with threonine, which is neutral and polar, at codon 318 of the SMCHD1 protein (p.Ser318Thr). This variant is present in population databases (rs745495716, gnomAD 0.005%). This variant has not been reported in the literature in individuals affected with SMCHD1-related conditions. ClinVar contains an entry for this variant (Variation ID: 498344). Invitae Evidence Modeling of protein sequence and biophysical properties (such as structural, functional, and spatial information, amino acid conservation, physicochemical variation, residue mobility, and thermodynamic stability) has been performed for this missense variant. However, the output from this modeling did not meet the statistical confidence thresholds required to predict the impact of this variant on SMCHD1 protein function. In summary, the available evidence is currently insufficient to determine the role of this variant in disease. Therefore, it has been classified as a Variant of Uncertain Significance.

CeGaT Center for Human Genetics Tuebingen
Classification: Uncertain significance. Last evaluated: 2022-10-01. Review status: criteria provided, single submitter. Criteria: CeGaT Center For Human Genetics Tuebingen Variant Classification Criteria Version 2. Collection method: clinical testing. Allele origin: germline. Affected: yes. Observed: 1 variant allele.
Comment: SMCHD1: PM2, BP4

Eurofins Ntd Llc (ga)
Classification: Uncertain significance. Last evaluated: 2016-11-22. Review status: criteria provided, single submitter. Criteria: EGL Classification Definitions 2015. Collection method: clinical testing. Allele origin: germline. Observed: 1 variant allele, 1 heterozygote.

NM_015295.3(SMCHD1):c.953G>C (p.Ser318Thr)

Gene: SMCHD1 (structural maintenance of chromosomes flexible hinge domain containing 1; plus strand). Cytogenetic location: 18p11.32.
Variant type: single nucleotide variant.
Coding change: c.953G>C on transcript NM_015295.3 (MANE Select); coding-DNA position 953, G replaced by C.
Protein change: p.Ser318Thr; replaces serine 318 with threonine.
Molecular consequence: missense variant.
Genome position (GRCh38, 1-based): chr18:2,694,606, G>C. VCF-style: chr18-2694606-G-C. GRCh37 (hg19) VCF-style: chr18-2694604-G-C.
Other names: short protein forms S318T.
Identifiers: ClinVar variation 498344 (VCV000498344.34), dbSNP rs745495716, ClinGen allele CA8870664.